The following is an entry in ClinVar:

ClinVar aggregate classification (germline): Uncertain significance. Review status: criteria provided, multiple submitters, no conflicts (2 of 4 stars). 2 submissions from 2 submitters: Uncertain significance (2). Last evaluated 2023-02-21.

Conditions:
Rhabdoid tumor predisposition syndrome 2 (RTPS2). Identifiers: Orphanet 231108, Orphanet 69077, MedGen C2750074, MONDO:0013224, OMIM 613325.
Hereditary cancer-predisposing syndrome. Also called: Tumor predisposition; Neoplastic Syndromes, Hereditary; Hereditary Cancer Syndrome; Hereditary neoplastic syndrome. Identifiers: Orphanet 140162, MedGen C0027672, MeSH D009386, MONDO:0015356.

Submissions (2):

Ambry Genetics
Classification: Uncertain significance for Hereditary cancer-predisposing syndrome. Last evaluated: 2023-02-21. Review status: criteria provided, single submitter. Criteria: Ambry Variant Classification Scheme 2023. Collection method: clinical testing. Allele origin: germline.
Comment: The p.E1609K variant (also known as c.4825G>A), located in coding exon 33 of the SMARCA4 gene, results from a G to A substitution at nucleotide position 4825. The glutamic acid at codon 1609 is replaced by lysine, an amino acid with similar properties. This amino acid position is well conserved in available vertebrate species. In addition, the in silico prediction for this alteration is inconclusive. Missense and in-frame variants in SMARCA4 are known to cause neurodevelopmental disorders; however, such associations with rhabdoid tumor predisposition syndrome including small cell carcinoma of the ovary-hypercalcemic type (SCCOHT) are exceedingly rare (Kosho T et al. Am J Med Genet C Semin Med Genet. 2014 Sep;166C(3):262-75; Jelinic P et al. Nat Genet. 2014 May;46(5):424-6). Based on the supporting evidence, the association of this alteration with Coffin-Siris syndrome is unknown; however, the association of this alteration with rhabdoid tumor predisposition syndrome is unlikely.

Labcorp Genetics (formerly Invitae), Labcorp
Classification: Uncertain significance for Rhabdoid tumor predisposition syndrome 2. Last evaluated: 2022-06-30. Review status: criteria provided, single submitter. Criteria: Invitae Variant Classification Sherloc (09022015). Collection method: clinical testing. Allele origin: germline.
Comment: In summary, the available evidence is currently insufficient to determine the role of this variant in disease. Therefore, it has been classified as a Variant of Uncertain Significance. Algorithms developed to predict the effect of missense changes on protein structure and function (SIFT, PolyPhen-2, Align-GVGD) all suggest that this variant is likely to be tolerated. This variant has not been reported in the literature in individuals affected with SMARCA4-related conditions. This variant is not present in population databases (gnomAD no frequency). This sequence change replaces glutamic acid, which is acidic and polar, with lysine, which is basic and polar, at codon 1609 of the SMARCA4 protein (p.Glu1609Lys).

NM_003072.5(SMARCA4):c.4729G>A (p.Glu1577Lys)

Gene: SMARCA4 (SWI/SNF related BAF chromatin remodeling complex subunit ATPase 4; plus strand). Cytogenetic location: 19p13.2.
Variant type: single nucleotide variant.
Coding change: c.4729G>A on transcript NM_003072.5 (MANE Select); coding-DNA position 4729, G replaced by A.
Protein change: p.Glu1577Lys; replaces glutamic acid 1577 with lysine.
Molecular consequence: missense variant. On other transcripts: non-coding transcript variant (1).
Genome position (GRCh38, 1-based): chr19:11,059,846, G>A. VCF-style: chr19-11059846-G-A. GRCh37 (hg19) VCF-style: chr19-11170522-G-A.
Other names: c.4825G>A (NM_001128849.1); c.4729G>A, p.Glu1577Lys (NM_001128844.3); c.4639G>A, p.Glu1547Lys (NM_001128845.2); c.4636G>A, p.Glu1546Lys (NM_001128846.2); c.4630G>A, p.Glu1544Lys (NM_001128847.4, NM_001374457.1); c.4627G>A, p.Glu1543Lys (NM_001128848.2); c.4825G>A, p.Glu1609Lys (NM_001128849.3, NM_001387283.1); c.4726G>A, p.Glu1576Lys (NM_001411150.1); short protein forms E1546K, E1609K, E1577K, E1544K, E1543K, E1547K, E1576K.
Identifiers: ClinVar variation 2012379 (VCV002012379.6), dbSNP rs2147115603, ClinGen allele CA404079632.